The following is an entry in ClinVar:

NM_004565.3(PEX14):c.169+4C>T

Gene: PEX14 (peroxisomal biogenesis factor 14; plus strand). Cytogenetic location: 1p36.22.
Variant type: single nucleotide variant.
Coding change: c.169+4C>T on transcript NM_004565.3 (MANE Select); 4 bases into the intron after coding-DNA position 169, C replaced by T.
Molecular consequence: intron variant.
Genome position (GRCh38, 1-based): chr1:10,536,301, C>T. VCF-style: chr1-10536301-C-T. GRCh37 (hg19) VCF-style: chr1-10596358-C-T.
Identifiers: ClinVar variation 2183876 (VCV002183876.3), dbSNP rs2522862418, ClinGen allele CA2574208195.

ClinVar aggregate classification (germline): Uncertain significance (1 of 4 stars; one submission).

Conditions:
Peroxisome biogenesis disorder, complementation group K (CGK). Identifiers: MedGen C1866257, MONDO:0800365.

Allele frequency attached by ClinVar (database versions not stated): gnomAD exomes below 0.00001.
gnomAD v4.1: 2 of 1,544,936 alleles (0.00013%); highest among the groups gnomAD compares: Non-Finnish European, 0.00009%; no homozygotes.

Submission:

Labcorp Genetics (formerly Invitae), Labcorp
Classification: Uncertain significance for Peroxisome biogenesis disorder, complementation group K. Last evaluated: 2023-05-30. Review status: criteria provided, single submitter. Criteria: Invitae Variant Classification Sherloc (09022015). Collection method: clinical testing. Allele origin: germline.
Comment: In summary, the available evidence is currently insufficient to determine the role of this variant in disease. Therefore, it has been classified as a Variant of Uncertain Significance. Variants that disrupt the consensus splice site are a relatively common cause of aberrant splicing (PMID: 17576681, 9536098). Algorithms developed to predict the effect of sequence changes on RNA splicing suggest that this variant is not likely to affect RNA splicing. ClinVar contains an entry for this variant (Variation ID: 2183876). This variant has not been reported in the literature in individuals affected with PEX14-related conditions. This variant is not present in population databases (gnomAD no frequency). This sequence change falls in intron 3 of the PEX14 gene. It does not directly change the encoded amino acid sequence of the PEX14 protein. It affects a nucleotide within the consensus splice site.

Literature cited by the submitters: PubMed 17576681; PubMed 9536098.